The following is an entry in ClinVar:

NM_001365276.2(TNXB):c.4253T>C (p.Val1418Ala)

Gene: TNXB (tenascin XB; minus strand). Cytogenetic location: 6p21.33.
Variant type: single nucleotide variant.
Coding change: c.4253T>C on transcript NM_001365276.2 (MANE Select); coding-DNA position 4253, T replaced by C.
Protein change: p.Val1418Ala; replaces valine 1418 with alanine.
Molecular consequence: missense variant.
Genome position (GRCh38, 1-based): chr6:32,079,155, A>G on the plus strand (T>C on the coding strand, the complement: TNXB is on the minus strand). VCF-style: chr6-32079155-A-G. GRCh37 (hg19) VCF-style: chr6-32046932-A-G.
Other names: c.4994T>C, p.Val1665Ala (NM_001428335.1); c.4253T>C, p.Val1418Ala (NM_019105.8); short protein forms V1665A, V1418A.
Identifiers: ClinVar variation 4615162 (VCV004615162.1).

ClinVar aggregate classification (germline): Uncertain significance (1 of 4 stars; one submission).

Conditions:
Cardiovascular phenotype. Identifiers: MedGen CN230736.

gnomAD v4.1: 3 of 1,613,734 alleles (0.00019%); highest among the groups gnomAD compares: African/African-American, 0.0013%; no homozygotes.

Submission:

Ambry Genetics
Classification: Uncertain significance for Cardiovascular phenotype. Last evaluated: 2025-10-27. Review status: criteria provided, single submitter. Criteria: Ambry Variant Classification Scheme 2023. Collection method: clinical testing. Allele origin: germline.
Comment: The p.V1418A variant (also known as c.4253T>C), located in coding exon 10 of the TNXB gene, results from a T to C substitution at nucleotide position 4253. The valine at codon 1418 is replaced by alanine, an amino acid with similar properties. This amino acid position is conserved. In addition, this alteration is predicted to be tolerated by in silico analysis. Based on the available evidence, the clinical significance of this variant remains unclear.